The following is an entry in ClinVar:

NM_030783.3(PTDSS2):c.1305C>T (p.Asp435=)

Gene: PTDSS2 (phosphatidylserine synthase 2; plus strand). Cytogenetic location: 11p15.5.
Variant type: single nucleotide variant.
Coding change: c.1305C>T on transcript NM_030783.3 (MANE Select); coding-DNA position 1305, C replaced by T.
Protein change: p.Asp435=; no amino-acid change (aspartic acid 435 retained).
Molecular consequence: synonymous variant. On other transcripts: non-coding transcript variant (1).
Genome position (GRCh38, 1-based): chr11:490,423, C>T. VCF-style: chr11-490423-C-T. GRCh37 (hg19) VCF-style: chr11-490423-C-T.
Other names: c.1353C>T, p.Asp451= (NM_001329544.2); c.678C>T, p.Asp226= (NM_001329545.2); c.1125C>T, p.Asp375= (NM_001329548.2).
Identifiers: ClinVar variation 4280768 (VCV004280768.7).

ClinVar aggregate classification (germline): Likely benign (1 of 4 stars; one submission).

gnomAD v4.1: 8,432 of 1,613,240 alleles (0.52%); highest among the groups gnomAD compares: Middle Eastern, 1.3%; 35 homozygotes.

Submission:

CeGaT Center for Human Genetics Tuebingen
Classification: Likely benign. Last evaluated: 2025-09-01. Review status: criteria provided, single submitter. Criteria: CeGaT Center For Human Genetics Tuebingen Variant Classification Criteria Version 2. Collection method: clinical testing. Allele origin: germline. Affected: yes. Observed: 1 variant allele.
Comment: PTDSS2: BP4, BP7, BS2